The following is an entry in ClinVar:

NM_001382391.1(CSPP1):c.2778T>C (p.Arg926=)

Gene: CSPP1 (centrosome and spindle pole associated protein 1; plus strand). Cytogenetic location: 8q13.2.
Variant type: single nucleotide variant.
Coding change: c.2778T>C on transcript NM_001382391.1 (MANE Select); coding-DNA position 2778, T replaced by C.
Protein change: p.Arg926=; no amino-acid change (arginine 926 retained).
Molecular consequence: synonymous variant.
Genome position (GRCh38, 1-based): chr8:67,164,458, T>C. VCF-style: chr8-67164458-T-C. GRCh37 (hg19) VCF-style: chr8-68076693-T-C.
Other names: c.1728T>C, p.Arg576= (NM_001291339.2); c.2697T>C, p.Arg899= (NM_001363131.2); c.2583T>C, p.Arg861= (NM_001363132.2); c.2502T>C, p.Arg834= (NM_001363133.2); c.2844T>C, p.Arg948= (NM_001364869.1); c.2664T>C, p.Arg888= (NM_001364870.1); c.2763T>C, p.Arg921= (NM_024790.7).
Identifiers: ClinVar variation 546537 (VCV000546537.2), dbSNP rs1246415831, ClinGen allele CA461296927.

ClinVar aggregate classification (germline): Uncertain significance (1 of 4 stars; one submission).

Allele frequency attached by ClinVar (database versions not stated): gnomAD exomes below 0.00001 and 0.00001; TOPMed below 0.00001.
gnomAD v4.1: 3 of 1,607,360 alleles (0.00019%); highest among the groups gnomAD compares: Admixed American, 0.0017%; no homozygotes.

Submission:

GeneDx
Classification: Uncertain significance. Last evaluated: 2018-05-30. Review status: criteria provided, single submitter. Criteria: GeneDx Variant Classification (06012015). Collection method: clinical testing. Allele origin: germline. Affected: yes.
Comment: A variant of uncertain significance has been identified in the CSPP1 gene. The c.2763 T>C varianthas not been published as a pathogenic variant, nor has it been reported as a benign variant to our knowledge. This variant is not observed at a significant frequency in large population cohorts (Lek et al., 2016). In-silico analyses, including splice predictors and evolutionary conservation, are inconsistent in their assessment as to whether or not the variant is damaging. Therefore, based on the currently available information, it is unclear whether this variant is a pathogenic variant or a rarebenign variant.